The following is an entry in ClinVar:

ClinVar aggregate classification (germline): Benign. Review status: criteria provided, multiple submitters, no conflicts (2 of 4 stars). 18 submissions from 18 submitters: Benign (12). 6 of the submissions do not count toward it. Last evaluated 2026-02-04.

Conditions:
Hereditary cancer-predisposing syndrome. Also called: Neoplastic Syndromes, Hereditary; Hereditary Cancer Syndrome; Tumor predisposition; Hereditary neoplastic syndrome. Identifiers: Orphanet 140162, MedGen C0027672, MeSH D009386, MONDO:0015356.
Breast and/or ovarian cancer. Identifiers: MedGen CN221562.
Hereditary breast ovarian cancer syndrome. Also called: BRCA1- and BRCA2-Associated Hereditary Breast and Ovarian Cancer; Hereditary breast and ovarian cancer syndrome; Hereditary breast and ovarian cancer syndrome (HBOC); Hereditary breast and/or ovarian cancer syndrome; Hereditary breast and ovarian cancer; Breast and ovarian cancer. Identifiers: Orphanet 145, MedGen C0677776, MeSH D061325, MONDO:0003582. Disease mechanism: loss of function.
Familial cancer of breast. Also called: BREAST CANCER, FAMILIAL; hereditary breast carcinoma; Hereditary breast cancer. Identifiers: Orphanet 227535, MedGen C0346153, MONDO:0016419, OMIM 114480. Disease mechanism: loss of function.
Ataxia-telangiectasia syndrome (AT). Also called: Ataxia-telangiectasia, complementation group D; AT, COMPLEMENTATION GROUP C; Ataxia-telangiectasia; ATAXIA-TELANGIECTASIA, COMPLEMENTATION GROUP A; ATAXIA-TELANGIECTASIA, FRESNO VARIANT; Ataxia-telangiectasia, complementation group E. Identifiers: Orphanet 100, MedGen C0004135, MONDO:0008840, OMIM 208900.
Malignant tumor of breast. Also called: Malignant breast neoplasm; Cancer breast. Identifiers: MedGen C0006142, MONDO:0007254. Disease mechanism: loss of function.

Allele frequency attached by ClinVar (database versions not stated): gnomAD exomes 0.00354 and 0.00126; gnomAD 0.01300 and 0.01395; TOPMed 0.01516; ExAC 0.00463; ESP Exome Variant Server 0.01600; 1000 Genomes Project 0.01637; 1000 Genomes Project 30x 0.01686.
gnomAD v4.1: 3,898 of 1,608,674 alleles (0.24%); highest among the groups gnomAD compares: African/African-American, 4.4%; 92 homozygotes.

Submissions (18):

Labcorp Genetics (formerly Invitae), Labcorp
Classification: Benign for Ataxia-telangiectasia syndrome. Last evaluated: 2026-02-04. Review status: criteria provided, single submitter. Criteria: Invitae Variant Classification Sherloc (09022015). Collection method: clinical testing. Allele origin: germline.

ARUP Laboratories, Molecular Genetics and Genomics, ARUP Laboratories
Classification: Benign. Last evaluated: 2025-07-07. Review status: criteria provided, single submitter. Criteria: ARUP Molecular Germline Variant Investigation Process 2024. Collection method: clinical testing. Allele origin: germline.

Center for Genomic Medicine, Rigshospitalet, Copenhagen University Hospital
Classification: Benign. Last evaluated: 2025-03-04. Review status: criteria provided, single submitter. Criteria: ACMG Guidelines, 2015. Collection method: clinical testing. Allele origin: germline.

KCCC/NGS Laboratory, Kuwait Cancer Control Center
Classification: Benign for Familial cancer of breast. Last evaluated: 2023-07-07. Review status: criteria provided, single submitter. Criteria: ACMG Guidelines, 2015. Collection method: clinical testing. Allele origin: germline. Affected: yes.

National Health Laboratory Service, Universitas Academic Hospital and University of the Free State
Classification: Benign for Hereditary breast ovarian cancer syndrome. Last evaluated: 2022-04-19. Review status: criteria provided, single submitter. Criteria: ACMG Guidelines, 2015. Collection method: clinical testing. Allele origin: germline. Affected: yes. Observed: 9 variant alleles.

CHEO Genetics Diagnostic Laboratory, Children's Hospital of Eastern Ontario
Classification: Benign for Breast and/or ovarian cancer. Last evaluated: 2021-07-02. Review status: criteria provided, single submitter. Criteria: ACMG Guidelines, 2015. Collection method: clinical testing. Allele origin: germline.

Illumina Laboratory Services, Illumina
Classification: Benign for Ataxia-telangiectasia syndrome. Last evaluated: 2018-01-13. Review status: criteria provided, single submitter. Criteria: ICSL Variant Classification Criteria 13 December 2019. Collection method: clinical testing. Allele origin: germline.
Comment: This variant was observed in the ICSL laboratory as part of a predisposition screen in an ostensibly healthy population. It had not been previously curated by ICSL or reported in the Human Gene Mutation Database (HGMD: prior to June 1st, 2018), and was therefore a candidate for classification through an automated scoring system. Utilizing variant allele frequency, disease prevalence and penetrance estimates, and inheritance mode, an automated score was calculated to assess if this variant is too frequent to cause the disease. Based on the score and internal cut-off values, a variant classified as benign is not then subjected to further curation. The score for this variant resulted in a classification of benign for this disease.

PreventionGenetics, part of Exact Sciences
Classification: Benign. Last evaluated: 2016-10-21. Review status: criteria provided, single submitter. Criteria: ACMG Guidelines, 2015. Collection method: clinical testing. Allele origin: germline.

Color Diagnostics, LLC DBA Color Health
Classification: Benign for Hereditary cancer-predisposing syndrome. Last evaluated: 2015-04-09. Review status: criteria provided, single submitter. Criteria: ACMG Guidelines, 2015. Collection method: clinical testing. Allele origin: germline.

GeneDx
Classification: Benign. Last evaluated: 2015-03-03. Review status: criteria provided, single submitter. Criteria: GeneDx Variant Classification Process June 2021. Collection method: clinical testing. Allele origin: germline. Affected: yes.

Ambry Genetics
Classification: Benign for Hereditary cancer-predisposing syndrome. Last evaluated: 2012-08-06. Review status: criteria provided, single submitter. Criteria: Ambry Autosomal Dominant and X-Linked criteria (10/2015). Collection method: clinical testing. Allele origin: germline. Observed: 1 variant allele.

Breakthrough Genomics
Classification: Benign. Review status: criteria provided, single submitter. Criteria: ACMG Guidelines, 2015. Collection method: not provided. Allele origin: germline. Inheritance: Autosomal recessive inheritance. Affected: yes.

Clinical Genetics Laboratory, Department of Pathology, Netherlands Cancer Institute
Classification: Benign. Review status: no assertion criteria provided. Collection method: clinical testing. Allele origin: germline. Affected: yes. Study: VKGL Data-share Consensus. Not counted in ClinVar's aggregate classification.

Clinical Genetics, Academic Medical Center
Classification: Benign. Review status: no assertion criteria provided. Collection method: clinical testing. Allele origin: germline. Affected: yes. Study: VKGL Data-share Consensus. Not counted in ClinVar's aggregate classification.

Department of Pathology and Laboratory Medicine, Sinai Health System
Classification: Benign for Malignant tumor of breast. Review status: no assertion criteria provided. Collection method: clinical testing. Allele origin: unknown. Affected: yes. Study: The Canadian Open Genetics Repository (COGR). Not counted in ClinVar's aggregate classification.
Comment: The ATM c.6095+15T>C variant was not identified in the literature nor was it identified in the Cosmic, MutDB, LOVD 3.0 or ATM-LOVD databases. The variant was identified in the following databases: dbSNP (ID: rs3212321) as "With Likely benign allele", in ClinVar (classified 1x as benign, 1x as likely benign), and Clinvitae (classified 1x as benign, 1x as likely benign). The variant was identified in control databases in 1212 of 277142 chromosomes (in 32 as homozygous) at a frequency of 0.004 increasing the likelihood this could be a low frequency benign variant (Genome Aggregation Consortium Feb 27, 2017). The variant was identified in the following populations at a frequency greater than 1%: African in 1104 of 24026 chromosomes (freq: 0.046). The variant occurs outside of the splicing consensus sequence and in silico or computational prediction software programs (SpliceSiteFinder, MaxEntScan, NNSPLICE, GeneSplicer, HumanSpliceFinder) do not predict a difference in splicing. In summary, based on the above information this variant meets our laboratory's criteria to be classified as benign.

Genome Diagnostics Laboratory, University Medical Center Utrecht
Classification: Benign. Review status: no assertion criteria provided. Collection method: clinical testing. Allele origin: germline. Affected: yes. Study: VKGL Data-share Consensus. Not counted in ClinVar's aggregate classification.

Joint Genome Diagnostic Labs from Nijmegen and Maastricht, Radboudumc and MUMC+
Classification: Benign. Review status: no assertion criteria provided. Collection method: clinical testing. Allele origin: germline. Affected: yes. Study: VKGL Data-share Consensus. Not counted in ClinVar's aggregate classification.

Laboratory of Diagnostic Genome Analysis, Leiden University Medical Center (LUMC)
Classification: Likely benign. Review status: no assertion criteria provided. Collection method: clinical testing. Allele origin: germline. Affected: yes. Study: VKGL Data-share Consensus. Not counted in ClinVar's aggregate classification.

NM_000051.4(ATM):c.6095+15T>C

Genes: ATM (ATM serine/threonine kinase; plus strand), C11orf65 (chromosome 11 open reading frame 65; minus strand). Cytogenetic location: 11q22.3.
Variant type: single nucleotide variant.
Coding change: c.6095+15T>C on transcript NM_000051.4 (MANE Select); 15 bases into the intron after coding-DNA position 6095, T replaced by C.
Molecular consequence: intron variant.
Genome position (GRCh38, 1-based): chr11:108,315,926, T>C. VCF-style: chr11-108315926-T-C. GRCh37 (hg19) VCF-style: chr11-108186653-T-C.
Other names: c.6095+15T>C (NM_001351834.2); c.641-6855A>G (NM_001330368.2); c.*39-6855A>G (NM_001351110.2).
Identifiers: ClinVar variation 140766 (VCV000140766.43), dbSNP rs3212321, ClinGen allele CA163514.